The following is an entry in ClinVar:

NM_174936.4(PCSK9):c.348T>C (p.His116=)

Gene: PCSK9 (proprotein convertase subtilisin/kexin type 9; plus strand). Cytogenetic location: 1p32.3.
Variant type: single nucleotide variant.
Coding change: c.348T>C on transcript NM_174936.4 (MANE Select); coding-DNA position 348, T replaced by C.
Protein change: p.His116=; no amino-acid change (histidine 116 retained).
Molecular consequence: synonymous variant.
Genome position (GRCh38, 1-based): chr1:55,043,983, T>C. VCF-style: chr1-55043983-T-C. GRCh37 (hg19) VCF-style: chr1-55509656-T-C.
Other names: c.348T>C (NM_174936.3).
Identifiers: ClinVar variation 1077314 (VCV001077314.11), dbSNP rs1021107715, ClinGen allele CA22795581.

ClinVar aggregate classification (germline): Likely benign. Review status: criteria provided, multiple submitters, no conflicts (2 of 4 stars). 3 submissions from 3 submitters: Likely benign (3). Last evaluated 2025-11-15.

Conditions:
Cardiovascular phenotype. Identifiers: MedGen CN230736.
Hypercholesterolemia, autosomal dominant, 3 (FHCL3). Also called: Familial hypercholesterolemia 3; Familial Hypercholesterolemia, Autosomal Dominant, 3; PCSK9-Related Familial Hypercholesterolemia, Autosomal Dominant. Identifiers: MedGen C1863551, MONDO:0011369, OMIM 603776.

Allele frequency attached by ClinVar (database versions not stated): gnomAD exomes below 0.00001; TOPMed below 0.00001.
gnomAD v4.1: 1 of 1,614,222 alleles (0.000062%); highest among the groups gnomAD compares: South Asian, 0.0011%; no homozygotes.

Submissions (3):

Ambry Genetics
Classification: Likely benign for Cardiovascular phenotype. Last evaluated: 2025-11-15. Review status: criteria provided, single submitter. Criteria: Ambry Variant Classification Scheme 2023. Collection method: clinical testing. Allele origin: germline.

Labcorp Genetics (formerly Invitae), Labcorp
Classification: Likely benign for Hypercholesterolemia, autosomal dominant, 3. Last evaluated: 2025-08-24. Review status: criteria provided, single submitter. Criteria: Invitae Variant Classification Sherloc (09022015). Collection method: clinical testing. Allele origin: germline.

All of Us Research Program, National Institutes of Health
Classification: Likely benign for Hypercholesterolemia, autosomal dominant, 3. Last evaluated: 2023-12-13. Review status: criteria provided, single submitter. Criteria: ACMG Guidelines, 2015. Collection method: clinical testing. Allele origin: germline. Inheritance: Autosomal dominant inheritance. Observed: 2 variant alleles, 2 heterozygotes.
Comment: This study involves interpretation of variants in research participants for the purpose of population health screening. Participant phenotype was not available at the time of variant classification. Additional details can be found in publication PMID: 35346344, PMCID: PMC8962531